The following is an entry in ClinVar:

ClinVar aggregate classification (germline): Uncertain significance (1 of 4 stars; one submission).

Conditions:
Cardiovascular phenotype. Identifiers: MedGen CN230736.

Submission:

Ambry Genetics
Classification: Uncertain significance for Cardiovascular phenotype. Last evaluated: 2023-03-07. Review status: criteria provided, single submitter. Criteria: Ambry Variant Classification Scheme 2023. Collection method: clinical testing. Allele origin: germline.
Comment: The p.L3673V variant (also known as c.11017C>G), located in coding exon 41 of the ANK2 gene, results from a C to G substitution at nucleotide position 11017. The leucine at codon 3673 is replaced by valine, an amino acid with highly similar properties. This amino acid position is conserved. In addition, the in silico prediction for this alteration is inconclusive. Since supporting evidence is limited at this time, the clinical significance of this alteration remains unclear.

NM_001148.6(ANK2):c.11017C>G (p.Leu3673Val)

Gene: ANK2 (ankyrin 2; plus strand). Cytogenetic location: 4q26.
Variant type: single nucleotide variant.
Coding change: c.11017C>G on transcript NM_001148.6 (MANE Select); coding-DNA position 11017, C replaced by G.
Protein change: p.Leu3673Val; replaces leucine 3673 with valine.
Molecular consequence: missense variant.
Genome position (GRCh38, 1-based): chr4:113,365,167, C>G. VCF-style: chr4-113365167-C-G. GRCh37 (hg19) VCF-style: chr4-114286323-C-G.
Other names: c.4735C>G, p.Leu1579Val (NM_001127493.3); c.4774C>G, p.Leu1592Val (NM_001354225.2); c.4663C>G, p.Leu1555Val (NM_001354228.2, NM_001354258.2); c.4741C>G, p.Leu1581Val (NM_001354230.2); c.4804C>G, p.Leu1602Val (NM_001354231.2, NM_001354242.2); c.4798C>G, p.Leu1600Val (NM_001354232.2); c.4759C>G, p.Leu1587Val (NM_001354235.2, NM_001354246.2, NM_001354265.2); c.4660C>G, p.Leu1554Val (NM_001354236.2); and 35 more; short protein forms L1534V, L1579V, L1581V, L1602V, L1603V, L1614V, L3720V, L764V.
Identifiers: ClinVar variation 2450659 (VCV002450659.2), dbSNP rs2154053595, ClinGen allele CA357941759.